The following is an entry in ClinVar:

NM_012330.4(KAT6B):c.3063G>A (p.Glu1021=)

Gene: KAT6B (lysine acetyltransferase 6B; plus strand). Cytogenetic location: 10q22.2.
Variant type: single nucleotide variant.
Coding change: c.3063G>A on transcript NM_012330.4 (MANE Select); coding-DNA position 3063, G replaced by A.
Protein change: p.Glu1021=; no amino-acid change (glutamic acid 1021 retained).
Molecular consequence: synonymous variant.
Genome position (GRCh38, 1-based): chr10:75,021,922, G>A. VCF-style: chr10-75021922-G-A. GRCh37 (hg19) VCF-style: chr10-76781680-G-A.
Other names: c.2514G>A, p.Glu838= (NM_001256468.2, NM_001370138.1); c.2187G>A, p.Glu729= (NM_001256469.2, NM_001370139.1, NM_001370140.1 and 2 more transcripts); c.2025G>A, p.Glu675= (NM_001370132.1); c.1374G>A, p.Glu458= (NM_001370133.1); c.978G>A, p.Glu326= (NM_001370134.1); c.720G>A, p.Glu240= (NM_001370135.1); c.3063G>A, p.Glu1021= (NM_001370136.1, NM_001370137.1); c.1998G>A, p.Glu666= (NM_001370143.1, NM_001370144.1).
Identifiers: ClinVar variation 5041679 (VCV005041679.1).
Genomic context (GRCh38, chr10:75,021,922, plus strand): 5'-TTTTACCCTCCCCACTTAGGCTGAGCGGCTAATGGAACAAGCTAGCTGCTGGGAGAAGGA[G>A]GAACAAGAAATCCTGTCAACTAGAGCTAACAGTAGGCAATCACCTGCAAAAGTACAATCG-3'
Protein context (NP_036462.2, residues 1011-1031): LMEQASCWEK[Glu1021=]EQEILSTRAN

ClinVar aggregate classification (germline): Likely benign (1 of 4 stars; one submission).

gnomAD v4.1: 1 of 1,614,188 alleles (0.000062%); highest among the groups gnomAD compares: Non-Finnish European, 0.000085%; no homozygotes.

Submission:

CeGaT Center for Human Genetics Tuebingen
Classification: Likely benign. Last evaluated: 2026-09-01. Review status: criteria provided, single submitter. Criteria: CeGaT Center For Human Genetics Tuebingen Variant Classification Criteria Version 2. Collection method: clinical testing. Allele origin: germline. Affected: yes. Observed: 1 variant allele.
Comment: KAT6B: BP4, BP7